The following is an entry in ClinVar:

NM_001042492.3(NF1):c.3232dup (p.Ser1078fs)

Gene: NF1 (neurofibromin 1; plus strand). Cytogenetic location: 17q11.2.
Variant type: Duplication.
Coding change: c.3232dup on transcript NM_001042492.3 (MANE Select); coding-DNA position 3232, one base duplicated (T; older notation c.3232dupT).
Protein change: p.Ser1078fs; shifts the reading frame from serine 1078.
Molecular consequence: frameshift variant.
Genome position (GRCh38, 1-based): chr17:31,232,107, T duplicated; the last of 3 consecutive T bases (chr17:31,232,105-31,232,107); duplicating any one gives the same sequence. VCF-style (leftmost placement, unchanged base first): chr17-31232104-G-GT. GRCh37 (hg19) VCF-style: chr17-29559122-G-GT.
Other names: c.3232dup, p.Ser1078Phefs (NM_000267.4); c.3232dupT (NM_000267.3, NM_001042492.2); short protein forms S1078fs.
Identifiers: ClinVar variation 995899 (VCV000995899.10), dbSNP rs2151433720, ClinGen allele CA2499224091.
Genomic context (GRCh38, chr17:31,232,104, plus strand): 5'-TTTTTTTTTTTTTTTTTTTTTTTTTTCAGAGATTTGGACCAGGCAAGCATGGAAGCAGTA[G>GT]TTTCACTTCTAGCTGGTCTCCCTCTGCAGCCTGAAGAAGGAGATGGTGTGGAATTGATGG-3'

ClinVar aggregate classification (germline): Pathogenic. Review status: criteria provided, multiple submitters, no conflicts (2 of 4 stars). 5 submissions from 5 submitters: Pathogenic (5). Last evaluated 2023-08-21.
ClinVar aggregate classification (oncogenicity): Oncogenic (1 of 4 stars; one submission).

Conditions:
Neurofibromatosis, type 1 (NF1). Also called: Neurofibromatosis, type I; VON RECKLINGHAUSEN DISEASE; Peripheral type neurofibromatosis; NEUROFIBROMATOSIS, TYPE I, SOMATIC. Identifiers: Orphanet 636, MedGen C0027831, MONDO:0018975, OMIM 162200. Disease mechanism: loss of function.
NF1-related disorder. Also called: NF1-related condition. Identifiers: MedGen CN379171.
Neoplasm. Also called: Neoplasms; Neoplasm (disease); tumor. Identifiers: MedGen C0027651, MeSH D009369, MONDO:0005070, HP:0002664.

Submissions (6):

Center for Genomic Medicine, Rigshospitalet, Copenhagen University Hospital
Classification: Oncogenic for Neoplasm. Last evaluated: 2026-10-16. Review status: criteria provided, single submitter. Criteria: ClinGen/CGC/VICC Guidelines for Oncogenicity, 2022. Collection method: clinical testing. Allele origin: somatic. Affected: yes.

GeneDx
Classification: Pathogenic. Last evaluated: 2023-08-21. Review status: criteria provided, single submitter. Criteria: GeneDx Variant Classification Process June 2021. Collection method: clinical testing. Allele origin: germline. Affected: yes.
Comment: Frameshift variant predicted to result in protein truncation [or nonsense mediated decay] in a gene for which loss of function is a known mechanism of disease; Not observed at significant frequency in large population cohorts (gnomAD); This variant is associated with the following publications: (PMID: 28873162, 34308366)

Labcorp Genetics (formerly Invitae), Labcorp
Classification: Pathogenic for Neurofibromatosis, type 1. Last evaluated: 2023-03-31. Review status: criteria provided, single submitter. Criteria: Invitae Variant Classification Sherloc (09022015). Collection method: clinical testing. Allele origin: germline.
Comment: This sequence change creates a premature translational stop signal (p.Ser1078Phefs*11) in the NF1 gene. It is expected to result in an absent or disrupted protein product. Loss-of-function variants in NF1 are known to be pathogenic (PMID: 10712197, 23913538). This premature translational stop signal has been observed in individual(s) with clinical features of NF1-related conditions (PMID: 21520333). This variant is not present in population databases (gnomAD no frequency). ClinVar contains an entry for this variant (Variation ID: 995899). For these reasons, this variant has been classified as Pathogenic.

PreventionGenetics, part of Exact Sciences
Classification: Pathogenic for NF1-related condition. Last evaluated: 2022-10-27. Review status: criteria provided, single submitter. Criteria: ACMG Guidelines, 2015. Collection method: clinical testing. Allele origin: germline.
Comment: The NF1 c.3232dupT variant is predicted to result in a frameshift and premature protein termination (p.Ser1078Phefs*11). This variant was reported in an individual with malignant peripheral nerve sheath tumor and optic glioma (Table S1 - Fiala et al. 2021. PubMed ID: 34308366). This variant has not been reported in a large population database, indicating this variant is rare. Frameshift variants in NF1 are expected to be pathogenic. This variant is interpreted as pathogenic.

Genome-Nilou Lab
Classification: Pathogenic for Neurofibromatosis, type 1. Last evaluated: 2022-03-15. Review status: criteria provided, single submitter. Criteria: ACMG Guidelines, 2015. Collection method: clinical testing. Allele origin: germline. Affected: no.

Department of Pediatrics, Memorial Sloan Kettering Cancer Center
Classification: Pathogenic for Neurofibromatosis, type 1. Last evaluated: 2020-12-15. Review status: criteria provided, single submitter. Criteria: ACMG Guidelines, 2015. Collection method: research. Allele origin: germline. Affected: yes.

Literature cited by the submitters: PubMed 10712197 (cited by Labcorp Genetics (formerly Invitae), Labcorp); PubMed 23913538 (cited by Labcorp Genetics (formerly Invitae), Labcorp); PubMed 21520333 (cited by Labcorp Genetics (formerly Invitae), Labcorp); PubMed 28873162 (cited by Department of Pediatrics, Memorial Sloan Kettering Cancer Center).